The following is an entry in ClinVar:

ClinVar aggregate classification (germline): Uncertain significance (1 of 4 stars; one submission).

Conditions:
Opsismodysplasia (OPSMD). Also called: INPPL1-Related Opsismodysplasia. Identifiers: Orphanet 2746, MedGen C0432219, MONDO:0009785, OMIM 258480.

Submission:

Department of Paediatric Medicine, Post Graduation Institute of Medical Education and Research
Classification: Uncertain significance for Opsismodysplasia. Last evaluated: 2023-03-01. Review status: criteria provided, single submitter. Criteria: ACMG Guidelines, 2015. Collection method: clinical testing. Allele origin: inherited. Inheritance: Autosomal recessive inheritance. Affected: no. Observed: 1 variant allele, 1 heterozygote.
Comment: PM1: Located in a mutational hot spot and/or critical and well-established functional domain (e.g., active site of an enzyme) without benign variation PM2: Absent from controls (or at extremely low frequency if recessive) in Exome Sequencing Project, 1000 Genomes Project, or Exome Aggregation Consortium PP3: Multiple lines of computational evidence support a deleterious effect on the gene or gene product (conservation, evolutionary, splicing impact, etc.)

NM_001567.4(INPPL1):c.2839C>T (p.Pro947Ser)

Gene: INPPL1 (inositol polyphosphate phosphatase like 1; plus strand). Cytogenetic location: 11q13.4.
Variant type: single nucleotide variant.
Coding change: c.2839C>T on transcript NM_001567.4 (MANE Select); coding-DNA position 2839, C replaced by T.
Protein change: p.Pro947Ser; replaces proline 947 with serine.
Molecular consequence: missense variant.
Genome position (GRCh38, 1-based): chr11:72,235,946, C>T. VCF-style: chr11-72235946-C-T. GRCh37 (hg19) VCF-style: chr11-71946990-C-T.
Other names: short protein forms P947S.
Identifiers: ClinVar variation 2431035 (VCV002431035.2), dbSNP rs2539239088, ClinGen allele CA381736786.
Genomic context (GRCh38, chr11:72,235,946, plus strand): 5'-CCGCTCTCCAGGTTATTTGAAGAACCAGAGAAACCGCCACCAACGGGGAGGCCCCCAGCC[C>T]CACCCCGAGCAGCTCCCCGGGAGGAGCCCTTGACCCCCAGGTGAGAGGAGGAACCTGTCA-3'
Protein context (NP_001558.3, residues 937-957): KPPPTGRPPA[Pro947Ser]PRAAPREEPL